The following is an entry in ClinVar:

ClinVar aggregate classification (germline): Uncertain significance (1 of 4 stars; one submission).

Submission:

CeGaT Center for Human Genetics Tuebingen
Classification: Uncertain significance. Last evaluated: 2022-07-01. Review status: criteria provided, single submitter. Criteria: CeGaT Center For Human Genetics Tuebingen Variant Classification Criteria Version 2. Collection method: clinical testing. Allele origin: germline. Affected: yes. Observed: 1 variant allele.
Comment: MCM3AP: PM2, BP4

NM_003906.5(MCM3AP):c.4190A>G (p.Asp1397Gly)

Genes: MCM3AP (minichromosome maintenance complex component 3 associated protein; minus strand), MCM3AP-AS1 (MCM3AP antisense RNA 1; plus strand). Cytogenetic location: 21q22.3.
Variant type: single nucleotide variant.
Coding change: c.4190A>G on transcript NM_003906.5 (MANE Select); coding-DNA position 4190, A replaced by G.
Protein change: p.Asp1397Gly; replaces aspartic acid 1397 with glycine.
Molecular consequence: missense variant. On other transcripts: non-coding transcript variant (2).
Genome position (GRCh38, 1-based): chr21:46,251,629, T>C on the plus strand (A>G on the coding strand, the complement: MCM3AP is on the minus strand). VCF-style: chr21-46251629-T-C. GRCh37 (hg19) VCF-style: chr21-47671543-T-C.
Other names: short protein forms D1397G.
Identifiers: ClinVar variation 2652818 (VCV002652818.24), dbSNP rs2080869946, ClinGen allele CA410547699.